The following is an entry in ClinVar:

ClinVar aggregate classification (germline): Uncertain significance (1 of 4 stars; one submission).

Submission:

Labcorp Genetics (formerly Invitae), Labcorp
Classification: Uncertain significance. Last evaluated: 2024-11-03. Review status: criteria provided, single submitter. Criteria: Invitae Variant Classification Sherloc (09022015). Collection method: clinical testing. Allele origin: germline.
Comment: This sequence change replaces tyrosine, which is neutral and polar, with histidine, which is basic and polar, at codon 209 of the VAV1 protein (p.Tyr209His). This variant is not present in population databases (gnomAD no frequency). This variant has not been reported in the literature in individuals affected with VAV1-related conditions. ClinVar contains an entry for this variant (Variation ID: 2747811). An algorithm developed to predict the effect of missense changes on protein structure and function (PolyPhen-2) suggests that this variant is likely to be disruptive. In summary, the available evidence is currently insufficient to determine the role of this variant in disease. Therefore, it has been classified as a Variant of Uncertain Significance.

NM_005428.4(VAV1):c.625T>C (p.Tyr209His)

Gene: VAV1 (vav guanine nucleotide exchange factor 1; plus strand). Cytogenetic location: 19p13.3.
Variant type: single nucleotide variant.
Coding change: c.625T>C on transcript NM_005428.4 (MANE Select); coding-DNA position 625, T replaced by C.
Protein change: p.Tyr209His; replaces tyrosine 209 with histidine.
Molecular consequence: missense variant. On other transcripts: intron variant (1).
Genome position (GRCh38, 1-based): chr19:6,822,485, T>C. VCF-style: chr19-6822485-T-C. GRCh37 (hg19) VCF-style: chr19-6822496-T-C.
Other names: c.625T>C, p.Tyr209His (NM_001258206.2); c.558+156T>C (NM_001258207.2); short protein forms Y209H.
Identifiers: ClinVar variation 2747811 (VCV002747811.3), dbSNP rs2512359621, ClinGen allele CA403616410.
Genomic context (GRCh38, chr19:6,822,485, plus strand): 5'-ATGACAGAGTATGACAAGCGCTGCTGCTGCCTGCGGGAGATCCAGCAGACGGAGGAGAAG[T>C]ACACTGACACGCTGGGCTCCATCCAGCAGGTGGGCGCCTCCCACCCAGCGCCTGCCGGGC-3'
Protein context (NP_005419.2, residues 199-219): LREIQQTEEK[Tyr209His]TDTLGSIQQH